The following is an entry in ClinVar:

ClinVar aggregate classification (germline): Uncertain significance (1 of 4 stars; one submission).

Allele frequency attached by ClinVar (database versions not stated): gnomAD exomes below 0.00001 and 0.00001; TOPMed below 0.00001; gnomAD 0.00001; ExAC 0.00002.
gnomAD v4.1: 4 of 1,396,228 alleles (0.00029%); highest among the groups gnomAD compares: Admixed American, 0.005%; no homozygotes.

Submission:

Labcorp Genetics (formerly Invitae), Labcorp
Classification: Uncertain significance. Last evaluated: 2025-02-10. Review status: criteria provided, single submitter. Criteria: Invitae Variant Classification Sherloc (09022015). Collection method: clinical testing. Allele origin: germline.
Comment: This sequence change replaces cysteine, which is neutral and slightly polar, with tyrosine, which is neutral and polar, at codon 662 of the IL12RB2 protein (p.Cys662Tyr). This variant is present in population databases (rs762319709, gnomAD 0.009%). This variant has not been reported in the literature in individuals affected with IL12RB2-related conditions. ClinVar contains an entry for this variant (Variation ID: 1417050). An algorithm developed to predict the effect of missense changes on protein structure and function outputs the following: PolyPhen-2: "Benign". The tyrosine amino acid residue is found in multiple mammalian species, which suggests that this missense change does not adversely affect protein function. In summary, the available evidence is currently insufficient to determine the role of this variant in disease. Therefore, it has been classified as a Variant of Uncertain Significance.

NM_001374259.2(IL12RB2):c.1985G>A (p.Cys662Tyr)

Gene: IL12RB2 (interleukin 12 receptor subunit beta 2; plus strand). Cytogenetic location: 1p31.3.
Variant type: single nucleotide variant.
Coding change: c.1985G>A on transcript NM_001374259.2 (MANE Select); coding-DNA position 1985, G replaced by A.
Protein change: p.Cys662Tyr; replaces cysteine 662 with tyrosine.
Molecular consequence: missense variant. On other transcripts: non-coding transcript variant (2), intron variant (3).
Genome position (GRCh38, 1-based): chr1:67,390,067, G>A. VCF-style: chr1-67390067-G-A. GRCh37 (hg19) VCF-style: chr1-67855750-G-A.
Other names: c.1727G>A, p.Cys576Tyr (NM_001258215.1); c.1985G>A, p.Cys662Tyr (NM_001559.3); c.1946+3398G>A (NM_001258214.1, NM_001319233.1); c.1856-5480G>A (NM_001258216.1); short protein forms C662Y, C576Y.
Identifiers: ClinVar variation 1417050 (VCV001417050.6), dbSNP rs762319709, ClinGen allele CA900629.